The following is an entry in ClinVar:

NM_003900.5(SQSTM1):c.942C>G (p.Ile314Met)

Gene: SQSTM1 (sequestosome 1; plus strand). Cytogenetic location: 5q35.3.
Variant type: single nucleotide variant.
Coding change: c.942C>G on transcript NM_003900.5 (MANE Select); coding-DNA position 942, C replaced by G.
Protein change: p.Ile314Met; replaces isoleucine 314 with methionine.
Molecular consequence: missense variant.
Genome position (GRCh38, 1-based): chr5:179,833,219, C>G. VCF-style: chr5-179833219-C-G. GRCh37 (hg19) VCF-style: chr5-179260219-C-G.
Other names: c.690C>G, p.Ile230Met (NM_001142298.2, NM_001142299.2); short protein forms I314M, I230M.
Identifiers: ClinVar variation 1361983 (VCV001361983.6), dbSNP rs200695664, ClinGen allele CA362452028.

ClinVar aggregate classification (germline): Uncertain significance (1 of 4 stars; one submission).

Conditions:
Paget disease of bone 2, early-onset (PDB2). Also called: Paget disease of bone 2. Identifiers: MedGen C4085251, MONDO:0011183, OMIM 602080.
Frontotemporal dementia and/or amyotrophic lateral sclerosis 1 (FTDALS1). Also called: Frontotemporal dementia with motor neuron disease 1; C9orf72 Frontotemporal Dementia and/or Amyotrophic Lateral Sclerosis. Identifiers: Orphanet 275872, MedGen C5779877, MONDO:0007105, OMIM 105550.

gnomAD v4.1: 1 of 1,604,358 alleles (0.000062%); highest among the groups gnomAD compares: Non-Finnish European, 0.000085%; no homozygotes.

Submission:

Labcorp Genetics (formerly Invitae), Labcorp
Classification: Uncertain significance for Paget disease of bone 2, early-onset; Frontotemporal dementia and/or amyotrophic lateral sclerosis 1. Last evaluated: 2021-08-11. Review status: criteria provided, single submitter. Criteria: Invitae Variant Classification Sherloc (09022015). Collection method: clinical testing. Allele origin: germline.
Comment: This variant has not been reported in the literature in individuals affected with SQSTM1-related conditions. Algorithms developed to predict the effect of missense changes on protein structure and function output the following: SIFT: "Tolerated"; PolyPhen-2: "Benign"; Align-GVGD: "Class C0". The methionine amino acid residue is found in multiple mammalian species, which suggests that this missense change does not adversely affect protein function. In summary, the available evidence is currently insufficient to determine the role of this variant in disease. Therefore, it has been classified as a Variant of Uncertain Significance. This variant is not present in population databases (ExAC no frequency). This sequence change replaces isoleucine with methionine at codon 314 of the SQSTM1 protein (p.Ile314Met). The isoleucine residue is moderately conserved and there is a small physicochemical difference between isoleucine and methionine.